The following is an entry in ClinVar:

ClinVar aggregate classification (germline): Likely benign. Review status: criteria provided, multiple submitters, no conflicts (2 of 4 stars). 3 submissions from 3 submitters: Likely benign (2). 1 of the submissions does not count toward it. Last evaluated 2023-09-15.

Conditions:
Aicardi-Goutieres syndrome 7 (AGS7). Identifiers: Orphanet 51, MedGen C3888244, MONDO:0014367, OMIM 615846.
Singleton-Merten syndrome 1 (SGMRT1). Also called: Widened medullary cavities of bone, aortic calcification, abnormal dentition, and muscular weakness; Syndrome of widened medullary cavities of the metacarpals and phalanges, aortic calcification and abnormal dentition. Identifiers: Orphanet 85191, MedGen C4225427, MONDO:0024535, OMIM 182250.
Susceptibility to severe COVID-19.
Immunodeficiency 95 (IMD95). Identifiers: MedGen C5676929, MONDO:0030692, OMIM 619773.

Allele frequency attached by ClinVar (database versions not stated): ExAC 0.00002.
gnomAD v4.1: 12 of 1,613,462 alleles (0.00074%); highest among the groups gnomAD compares: South Asian, 0.011%; no homozygotes.

Submissions (3):

Labcorp Genetics (formerly Invitae), Labcorp
Classification: Likely benign for Aicardi-Goutieres syndrome 7; Singleton-Merten syndrome 1. Last evaluated: 2023-09-15. Review status: criteria provided, single submitter. Criteria: Invitae Variant Classification Sherloc (09022015). Collection method: clinical testing. Allele origin: germline.

Molecular Genetics, Royal Melbourne Hospital
Classification: Likely benign for Immunodeficiency 95. Last evaluated: 2023-05-04. Review status: criteria provided, single submitter. Criteria: ACMG Guidelines, 2015. Collection method: clinical testing. Allele origin: germline. Affected: yes.
Comment: South Asian population allele frequency is 0.002599% (rs775467204, 3/30580 alleles, 0 homozygotes in gnomAD v2.1). Based on the classification scheme RMH Modified ACMG/AMP Guidelines v1.4.0, this variant is classified as LIKELY BENIGN. Following criteria are met: BS2

Dubai Health Genomic Medicine Center, Dubai Health
Classification: Likely risk allele for Susceptibility to severe COVID-19. Last evaluated: 2022-07-01. Review status: no assertion criteria provided. Collection method: research. Allele origin: germline. Affected: yes. Not counted in ClinVar's aggregate classification.

NM_022168.4(IFIH1):c.2730C>A (p.Cys910Ter)

Gene: IFIH1 (interferon induced with helicase C domain 1; minus strand). Cytogenetic location: 2q24.2.
Variant type: single nucleotide variant.
Coding change: c.2730C>A on transcript NM_022168.4 (MANE Select); coding-DNA position 2730, C replaced by A.
Protein change: p.Cys910Ter; replaces cysteine 910 with a stop codon.
Molecular consequence: nonsense.
Genome position (GRCh38, 1-based): chr2:162,268,164, G>T on the plus strand (C>A on the coding strand, the complement: IFIH1 is on the minus strand). VCF-style: chr2-162268164-G-T. GRCh37 (hg19) VCF-style: chr2-163124674-G-T.
Other names: short protein forms C910*.
Identifiers: ClinVar variation 2428776 (VCV002428776.7), dbSNP rs775467204, ClinGen allele CA1934091.